The following is an entry in ClinVar:

ClinVar aggregate classification (germline): Pathogenic. Review status: criteria provided, multiple submitters, no conflicts (2 of 4 stars). 8 submissions from 8 submitters: Pathogenic (7). 1 of the submissions does not count toward it. Last evaluated 2025-12-22.

Conditions:
Autosomal recessive osteopetrosis 1. Also called: TCIRG1-Related Autosomal Recessive Osteopetrosis; TCIRG1-Related Osteopetrosis; ALBERS-SCHONBERG DISEASE, AUTOSOMAL RECESSIVE. Identifiers: Orphanet 667, MedGen C1850127, MONDO:0009815, OMIM 259700.

Allele frequency attached by ClinVar (database versions not stated): gnomAD below 0.00001 and 0.00001; gnomAD exomes below 0.00001 and 0.00001; ExAC 0.00002; TOPMed 0.00002.

Submissions (8):

Natera, Inc.
Classification: Pathogenic for Infantile malignant osteopetrosis. Last evaluated: 2025-12-22. Review status: criteria provided, single submitter. Criteria: Natera Variant Classification Schema (03/2026). Collection method: clinical testing. Allele origin: germline.
Comment: The c.2236C>T variant in TCIRG1 is a nonsense variant predicted to introduce a stop codon at amino acid 746. This variant is expected to result in nonsense mediated decay, truncation, or a dysfunctional protein product. This variant is rare in the general population with a frequency below the threshold expected for the associated phenotype(s). This variant has been observed in one or more individuals affected with the associated recessive disease, as either homozygous or compound heterozygous with a second variant (PMID: 26777052). Given the available evidence, this variant is classified as Pathogenic.

3billion
Classification: Pathogenic for Autosomal recessive osteopetrosis 1. Last evaluated: 2025-11-23. Review status: criteria provided, single submitter. Criteria: ACMG Guidelines, 2015. Collection method: clinical testing. Allele origin: germline. Affected: yes.
Comment: The variant is observed at an extremely low frequency in the gnomAD v4.1.0 dataset (total allele frequency: <0.001%). Predicted Consequence/Location: Stop-gained (nonsense): predicted to result in a loss or disruption of normal protein function through nonsense-mediated decay (NMD) or protein truncation. Multiple pathogenic variants are reported downstream of the variant. The variant has been reported at least twice as pathogenic with clinical assertions and evidence for the classification (ClinVar ID: VCV000553240 /PMID: 12507890). Therefore, this variant is classified as Pathogenic according to the recommendation of ACMG/AMP guideline.

ARUP Laboratories, Molecular Genetics and Genomics, ARUP Laboratories
Classification: Pathogenic for Autosomal recessive osteopetrosis 1. Last evaluated: 2025-07-18. Review status: criteria provided, single submitter. Criteria: ARUP Molecular Germline Variant Investigation Process 2024. Collection method: clinical testing. Allele origin: germline.
Comment: The TCIRG1 c.2236C>T; p.Gln746Ter variant (rs748659068, ClinVar Variation ID: 553240) is reported in the literature in several homozygous or compound heterozygous individuals affected with osteopetrosis (Demir 2015, Gorukmez 2023, Taranta 2003). This variant is found in the general population with a low overall allele frequency of 0.0012% (3/249,342 alleles) in the Genome Aggregation Database (v2.1.1). This variant induces an early termination codon and is predicted to result in a truncated protein or mRNA subject to nonsense-mediated decay. Based on available information, this variant is considered to be pathogenic. References: Demir K et al. Genetic Diagnosis Using Whole Exome Analysis in Two Cases with Malignant Osteopetrosis of Infancy. J Clin Res Pediatr Endocrinol. 2015 Dec;7(4):356-7. PMID: 26777052. Gorukmez O et al. Clinical exome sequencing findings in 1589 patients. Am J Med Genet A. 2023 Jun;191(6):1557-1564. PMID: 36964972. Taranta A et al. Genotype-phenotype relationship in human ATP6i-dependent autosomal recessive osteopetrosis. Am J Pathol. 2003 Jan;162(1):57-68. PMID: 12507890.

GeneDx
Classification: Pathogenic. Last evaluated: 2024-08-21. Review status: criteria provided, single submitter. Criteria: GeneDx Variant Classification Process June 2021. Collection method: clinical testing. Allele origin: germline. Affected: yes.
Comment: Observed with a pathogenic variant in unrelated patients with features of TCIRG1-related osteopetrosis referred for genetic testing at GeneDx and in published literature, but it is not known whether the variants occurred on the same (in cis) or on different (in trans) chromosomes in some cases (PMID: 12507890); Nonsense variant predicted to result in protein truncation or nonsense mediated decay in a gene for which loss of function is a known mechanism of disease; This variant is associated with the following publications: (PMID: 25525159, 34426522, 31567691, 12507890, 36964972, 26777052, 34203247)

Labcorp Genetics (formerly Invitae), Labcorp
Classification: Pathogenic. Last evaluated: 2024-06-13. Review status: criteria provided, single submitter. Criteria: Invitae Variant Classification Sherloc (09022015). Collection method: clinical testing. Allele origin: germline.
Comment: This sequence change creates a premature translational stop signal (p.Gln746*) in the TCIRG1 gene. It is expected to result in an absent or disrupted protein product. Loss-of-function variants in TCIRG1 are known to be pathogenic (PMID: 10888887, 10942435, 11532986, 19448635). This variant is present in population databases (rs748659068, gnomAD 0.003%). This premature translational stop signal has been observed in individuals with autosomal recessive osteopetrosis (PMID: 12507890). ClinVar contains an entry for this variant (Variation ID: 553240). For these reasons, this variant has been classified as Pathogenic.

Baylor Genetics
Classification: Pathogenic for Autosomal recessive osteopetrosis 1. Last evaluated: 2023-10-14. Review status: criteria provided, single submitter. Criteria: ACMG Guidelines, 2015. Collection method: clinical testing. Allele origin: unknown.

Fulgent Genetics
Classification: Pathogenic for Autosomal recessive osteopetrosis 1. Last evaluated: 2018-10-31. Review status: criteria provided, single submitter. Criteria: ACMG Guidelines, 2015. Collection method: clinical testing. Allele origin: unknown.

Counsyl
Classification: Pathogenic for Autosomal recessive osteopetrosis 1. Last evaluated: 2017-08-08. Review status: no assertion criteria provided. Collection method: clinical testing. Allele origin: unknown. Not counted in ClinVar's aggregate classification.

Literature cited by the submitters: PubMed 26777052 (cited by Natera, Inc. and Counsyl); PubMed 12507890 (cited by 3 submitters); PubMed 10888887 (cited by Labcorp Genetics (formerly Invitae), Labcorp); PubMed 10942435 (cited by Labcorp Genetics (formerly Invitae), Labcorp); PubMed 11532986 (cited by Labcorp Genetics (formerly Invitae), Labcorp); PubMed 19448635 (cited by Labcorp Genetics (formerly Invitae), Labcorp).

NM_006019.4(TCIRG1):c.2236C>T (p.Gln746Ter)

Gene: TCIRG1 (T cell immune regulator 1, ATPase H+ transporting V0 subunit a3; plus strand). Cytogenetic location: 11q13.2.
Variant type: single nucleotide variant.
Coding change: c.2236C>T on transcript NM_006019.4 (MANE Select); coding-DNA position 2236, C replaced by T.
Protein change: p.Gln746Ter; replaces glutamine 746 with a stop codon.
Molecular consequence: nonsense.
Genome position (GRCh38, 1-based): chr11:68,050,254, C>T. VCF-style: chr11-68050254-C-T. GRCh37 (hg19) VCF-style: chr11-67817721-C-T.
Other names: c.1342C>T, p.Gln448Ter (NM_001351059.2); c.1588C>T, p.Gln530Ter (NM_006053.4); short protein forms Q746*, Q448*, Q530*.
Identifiers: ClinVar variation 553240 (VCV000553240.18), dbSNP rs748659068, ClinGen allele CA6147442.